The following is an entry in ClinVar:

ClinVar aggregate classification (germline): Likely benign (1 of 4 stars; one submission).

Conditions:
Familial hypercholesterolemia. Also called: Familial hypercholesterolaemia. Identifiers: MedGen C0020445, MONDO:0005439.

Submission:

GENinCode PLC
Classification: Likely benign for Familial hypercholesterolemia. Last evaluated: 2024-12-04. Review status: criteria provided, single submitter. Criteria: ACMG Guidelines, 2015. Collection method: clinical testing. Allele origin: germline.
Comment: This is a synonymous (silent) variant that is not predicted by SpliceAI to impact splicing. In addition, it occurs at a nucleotide that is not conserved. Therefore this variant has been classified as Likely Benign (BP4, BP7).

NM_000384.3(APOB):c.174T>A (p.Ala58=)

Genes: APOB (apolipoprotein B; minus strand), LOC106560211 (APOB 5' regulatory region; plus strand). Cytogenetic location: 2p24.1.
Variant type: single nucleotide variant.
Coding change: c.174T>A on transcript NM_000384.3 (MANE Select); coding-DNA position 174, T replaced by A.
Protein change: p.Ala58=; no amino-acid change (alanine 58 retained).
Molecular consequence: synonymous variant.
Genome position (GRCh38, 1-based): chr2:21,042,424, A>T on the plus strand (T>A on the coding strand, the complement: APOB is on the minus strand). VCF-style: chr2-21042424-A-T. GRCh37 (hg19) VCF-style: chr2-21265296-A-T.
Identifiers: ClinVar variation 3392995 (VCV003392995.1).